The following is an entry in ClinVar:

ClinVar aggregate classification (germline): Likely benign (1 of 4 stars; one submission).

Conditions:
BBS4-related disorder. Also called: BBS4-related condition.

Submission:

PreventionGenetics, part of Exact Sciences
Classification: Likely benign for BBS4-related condition. Last evaluated: 2025-09-24. Review status: criteria provided, single submitter. Criteria: ACMG Guidelines, 2015. Collection method: clinical testing. Allele origin: germline.
Comment: This variant is classified as likely benign based on ACMG/AMP sequence variant interpretation guidelines (Richards et al. 2015 PMID: 25741868, with internal and published modifications).

NM_033028.5(BBS4):c.587+10T>C

Gene: BBS4 (Bardet-Biedl syndrome 4; plus strand). Cytogenetic location: 15q24.1.
Variant type: single nucleotide variant.
Coding change: c.587+10T>C on transcript NM_033028.5 (MANE Select); 10 bases into the intron after coding-DNA position 587, T replaced by C.
Molecular consequence: intron variant.
Genome position (GRCh38, 1-based): chr15:72,724,665, T>C. VCF-style: chr15-72724665-T-C. GRCh37 (hg19) VCF-style: chr15-73017006-T-C.
Other names: c.587+10T>C (NM_001320665.2); c.71+10T>C (NM_001252678.2).
Identifiers: ClinVar variation 4995666 (VCV004995666.1).